The following is an entry in ClinVar:

ClinVar aggregate classification (germline): Likely benign (1 of 4 stars; one submission).

Allele frequency attached by ClinVar (database versions not stated): TOPMed below 0.00001; ExAC 0.00001; gnomAD 0.00001; gnomAD exomes 0.00001.
gnomAD v4.1: 16 of 1,612,976 alleles (0.00099%); highest among the groups gnomAD compares: Non-Finnish European, 0.0014%; no homozygotes.

Submission:

CeGaT Center for Human Genetics Tuebingen
Classification: Likely benign. Last evaluated: 2022-07-01. Review status: criteria provided, single submitter. Criteria: CeGaT Center For Human Genetics Tuebingen Variant Classification Criteria Version 2. Collection method: clinical testing. Allele origin: germline. Affected: yes. Observed: 1 variant allele.
Comment: LPCAT2: BP4, BP7

NM_017839.5(LPCAT2):c.1173T>C (p.Pro391=)

Gene: LPCAT2 (lysophosphatidylcholine acyltransferase 2; plus strand). Cytogenetic location: 16q12.2.
Variant type: single nucleotide variant.
Coding change: c.1173T>C on transcript NM_017839.5 (MANE Select); coding-DNA position 1173, T replaced by C.
Protein change: p.Pro391=; no amino-acid change (proline 391 retained).
Molecular consequence: synonymous variant.
Genome position (GRCh38, 1-based): chr16:55,551,060, T>C. VCF-style: chr16-55551060-T-C. GRCh37 (hg19) VCF-style: chr16-55584972-T-C.
Identifiers: ClinVar variation 2646537 (VCV002646537.24), dbSNP rs747555198, ClinGen allele CA8061018.